The following is an entry in ClinVar:

NM_001029883.3(PCARE):c.2965C>G (p.Pro989Ala)

Gene: PCARE (photoreceptor cilium actin regulator; minus strand). Cytogenetic location: 2p23.2.
Variant type: single nucleotide variant.
Coding change: c.2965C>G on transcript NM_001029883.3 (MANE Select); coding-DNA position 2965, C replaced by G.
Protein change: p.Pro989Ala; replaces proline 989 with alanine.
Molecular consequence: missense variant.
Genome position (GRCh38, 1-based): chr2:29,071,297, G>C on the plus strand (C>G on the coding strand, the complement: PCARE is on the minus strand). VCF-style: chr2-29071297-G-C. GRCh37 (hg19) VCF-style: chr2-29294163-G-C.
Other names: short protein forms P989A.
Identifiers: ClinVar variation 335644 (VCV000335644.16), dbSNP rs184281410, ClinGen allele CA1592068.
Genomic context (GRCh38, chr2:29,071,297, plus strand): 5'-GCCTCTTGTCTGCTTGAGGCACCCAGTGTGTCCTCGTGGGAGAGGCCTTTCTGCCCACAG[G>C]GGGGCTTCTCTCTCGGCTCTGCCTTGGTCTGGCCAGGCTGGACTCTGAGGTCCTGTTTTG-3'
Protein context (NP_001025054.1, residues 979-999): RPRQSRERSP[Pro989Ala]VGRKASPTRT

ClinVar aggregate classification (germline): Conflicting classifications of pathogenicity. Review status: criteria provided, conflicting classifications (1 of 4 stars). 5 submissions from 5 submitters: Uncertain significance (1); Benign (1); Likely benign (3). Last evaluated 2025-06-16.

Conditions:
Retinal dystrophy. Also called: Inherited retinal dystrophy. Identifiers: HP:0000556, Orphanet 71862, MedGen C0854723, MeSH D058499, MONDO:0019118.
PCARE-related disorder. Also called: PCARE-related condition.
Retinitis pigmentosa (RP). Identifiers: Orphanet 791, MedGen C0035334, MeSH D012174, MONDO:0019200, OMIM 268000. Inheritance: Autosomal dominant, autosomal recessive and X linked inheritance.

Allele frequency attached by ClinVar (database versions not stated): TOPMed 0.00042; 1000 Genomes Project 30x 0.00078; 1000 Genomes Project 0.00080.
gnomAD v4.1: 299 of 1,613,466 alleles (0.019%); highest among the groups gnomAD compares: East Asian, 0.36%; 2 homozygotes.

Submissions (5):

PreventionGenetics, part of Exact Sciences
Classification: Likely benign for PCARE-related condition. Last evaluated: 2025-06-16. Review status: criteria provided, single submitter. Criteria: ACMG Guidelines, 2015. Collection method: clinical testing. Allele origin: germline.
Comment: This variant is classified as likely benign based on ACMG/AMP sequence variant interpretation guidelines (Richards et al. 2015 PMID: 25741868, with internal and published modifications).

Labcorp Genetics (formerly Invitae), Labcorp
Classification: Benign. Last evaluated: 2025-05-19. Review status: criteria provided, single submitter. Criteria: Invitae Variant Classification Sherloc (09022015). Collection method: clinical testing. Allele origin: germline.

Blueprint Genetics
Classification: Likely benign. Last evaluated: 2024-11-08. Review status: criteria provided, single submitter. Criteria: ACMG Guidelines, 2015. Collection method: clinical testing. Allele origin: germline.

Dept Of Ophthalmology, Nagoya University
Classification: Likely benign for Retinal dystrophy. Last evaluated: 2023-10-01. Review status: criteria provided, single submitter. Criteria: Submitter's publication. Collection method: research. Allele origin: germline. Affected: yes.

Illumina Laboratory Services, Illumina
Classification: Uncertain significance for Retinitis pigmentosa. Last evaluated: 2018-01-12. Review status: criteria provided, single submitter. Criteria: ICSL Variant Classification Criteria 13 December 2019. Collection method: clinical testing. Allele origin: germline.